The following is an entry in ClinVar:

NM_207122.2(EXT2):c.1056C>G (p.Phe352Leu)

Gene: EXT2 (exostosin glycosyltransferase 2; plus strand). Cytogenetic location: 11p11.2.
Variant type: single nucleotide variant.
Coding change: c.1056C>G on transcript NM_207122.2 (MANE Select); coding-DNA position 1056, C replaced by G.
Protein change: p.Phe352Leu; replaces phenylalanine 352 with leucine.
Molecular consequence: missense variant.
Genome position (GRCh38, 1-based): chr11:44,126,932, C>G. VCF-style: chr11-44126932-C-G. GRCh37 (hg19) VCF-style: chr11-44148482-C-G.
Other names: c.1155C>G, p.Phe385Leu (NM_000401.3); c.1056C>G, p.Phe352Leu (NM_001178083.3, NM_001389628.1, NM_001389630.1); short protein forms F352L, F385L.
Identifiers: ClinVar variation 2632452 (VCV002632452.1), dbSNP rs150255775, ClinGen allele CA380169267.

ClinVar aggregate classification (germline): Uncertain significance (1 of 4 stars; one submission).

Conditions:
EXT2-related disorder. Also called: EXT2-related condition.

Submission:

PreventionGenetics, part of Exact Sciences
Classification: Uncertain significance for EXT2-related condition. Last evaluated: 2023-05-25. Review status: criteria provided, single submitter. Criteria: ACMG Guidelines, 2015. Collection method: clinical testing. Allele origin: germline.
Comment: The EXT2 c.1056C>G variant is predicted to result in the amino acid substitution p.Phe352Leu. To our knowledge, this variant has not been reported in the literature or in a large population database, indicating this variant is rare. At this time, the clinical significance of this variant is uncertain due to the absence of conclusive functional and genetic evidence.